The following is an entry in ClinVar:

ClinVar aggregate classification (germline): Uncertain significance. Review status: criteria provided, multiple submitters, no conflicts (2 of 4 stars). 3 submissions from 3 submitters: Uncertain significance (3). Last evaluated 2025-06-11.

Conditions:
Hereditary cancer-predisposing syndrome. Also called: Hereditary Cancer Syndrome; Neoplastic Syndromes, Hereditary; Tumor predisposition; Hereditary neoplastic syndrome. Identifiers: Orphanet 140162, MedGen C0027672, MeSH D009386, MONDO:0015356.
Hereditary nonpolyposis colorectal neoplasms. Identifiers: MedGen C0009405, MeSH D003123.

gnomAD v4.1: 2 of 1,614,118 alleles (0.00012%); highest among the groups gnomAD compares: Non-Finnish European, 0.00017%; no homozygotes.

Submissions (3):

Labcorp Genetics (formerly Invitae), Labcorp
Classification: Uncertain significance for Hereditary nonpolyposis colorectal neoplasms. Last evaluated: 2025-06-11. Review status: criteria provided, single submitter. Criteria: Invitae Variant Classification Sherloc (09022015). Collection method: clinical testing. Allele origin: germline.
Comment: This sequence change replaces aspartic acid, which is acidic and polar, with histidine, which is basic and polar, at codon 1106 of the MSH6 protein (p.Asp1106His). This variant is not present in population databases (gnomAD no frequency). This variant has not been reported in the literature in individuals affected with MSH6-related conditions. ClinVar contains an entry for this variant (Variation ID: 490000). Invitae Evidence Modeling of protein sequence and biophysical properties (such as structural, functional, and spatial information, amino acid conservation, physicochemical variation, residue mobility, and thermodynamic stability) indicates that this missense variant is not expected to disrupt MSH6 protein function with a negative predictive value of 95%. In summary, the available evidence is currently insufficient to determine the role of this variant in disease. Therefore, it has been classified as a Variant of Uncertain Significance.

Ambry Genetics
Classification: Uncertain significance for Hereditary cancer-predisposing syndrome. Last evaluated: 2025-01-23. Review status: criteria provided, single submitter. Criteria: Ambry Variant Classification Scheme 2023. Collection method: clinical testing. Allele origin: germline.
Comment: The p.D1106H variant (also known as c.3316G>C), located in coding exon 5 of the MSH6 gene, results from a G to C substitution at nucleotide position 3316. The aspartic acid at codon 1106 is replaced by histidine, an amino acid with similar properties. This amino acid position is highly conserved in available vertebrate species. In addition, this alteration is predicted to be deleterious by in silico analysis. Based on the available evidence, the clinical significance of this variant remains unclear.

Color Diagnostics, LLC DBA Color Health
Classification: Uncertain significance for Hereditary cancer-predisposing syndrome. Last evaluated: 2023-12-05. Review status: criteria provided, single submitter. Criteria: ACMG Guidelines, 2015. Collection method: clinical testing. Allele origin: germline.
Comment: This missense variant replaces aspartic acid with histidine at codon 1106 of the MSH6 protein. Computational prediction is inconclusive regarding the impact of this variant on protein structure and function (internally defined REVEL score threshold 0.5 < inconclusive < 0.7, PMID: 27666373). To our knowledge, functional studies have not been reported for this variant. This variant has not been reported in individuals affected with MSH6-related disorders in the literature. This variant has not been identified in the general population by the Genome Aggregation Database (gnomAD). The available evidence is insufficient to determine the role of this variant in disease conclusively. Therefore, this variant is classified as a Variant of Uncertain Significance.

NM_000179.3(MSH6):c.3316G>C (p.Asp1106His)

Gene: MSH6 (mutS homolog 6; plus strand). Cytogenetic location: 2p16.3.
Variant type: single nucleotide variant.
Coding change: c.3316G>C on transcript NM_000179.3 (MANE Select); coding-DNA position 3316, G replaced by C.
Protein change: p.Asp1106His; replaces aspartic acid 1106 with histidine.
Molecular consequence: missense variant.
Genome position (GRCh38, 1-based): chr2:47,803,563, G>C. VCF-style: chr2-47803563-G-C. GRCh37 (hg19) VCF-style: chr2-48030702-G-C.
Other names: c.2926G>C, p.Asp976His (NM_001281492.2); c.2410G>C, p.Asp804His (NM_001281493.2, NM_001281494.2); short protein forms D1106H, D804H, D976H.
Identifiers: ClinVar variation 490000 (VCV000490000.17), dbSNP rs1553331552, ClinGen allele CA346758632.